The following is an entry in ClinVar:

NM_138927.4(SON):c.5606G>A (p.Arg1869His)

Gene: SON (SON DNA and RNA binding protein; plus strand). Cytogenetic location: 21q22.11.
Variant type: single nucleotide variant.
Coding change: c.5606G>A on transcript NM_138927.4 (MANE Select); coding-DNA position 5606, G replaced by A.
Protein change: p.Arg1869His; replaces arginine 1869 with histidine.
Molecular consequence: missense variant. On other transcripts: non-coding transcript variant (1), intron variant (1).
Genome position (GRCh38, 1-based): chr21:33,554,837, G>A. VCF-style: chr21-33554837-G-A. GRCh37 (hg19) VCF-style: chr21-34927143-G-A.
Other names: c.5606G>A, p.Arg1869His (NM_001291411.2, NM_001412133.1, NM_032195.3 and 2 more transcripts); c.245-2319G>A (NM_001291412.3); short protein forms R1869H.
Identifiers: ClinVar variation 2847655 (VCV002847655.3), dbSNP rs1242271965, ClinGen allele CA410165152.

ClinVar aggregate classification (germline): Uncertain significance (1 of 4 stars; one submission).

Allele frequency attached by ClinVar (database versions not stated): gnomAD 0.00001.
gnomAD v4.1: 11 of 1,613,852 alleles (0.00068%); highest among the groups gnomAD compares: Non-Finnish European, 0.00093%; no homozygotes.

Submission:

Labcorp Genetics (formerly Invitae), Labcorp
Classification: Uncertain significance. Last evaluated: 2023-10-09. Review status: criteria provided, single submitter. Criteria: Invitae Variant Classification Sherloc (09022015). Collection method: clinical testing. Allele origin: germline.
Comment: This sequence change replaces arginine, which is basic and polar, with histidine, which is basic and polar, at codon 1869 of the SON protein (p.Arg1869His). This variant is present in population databases (no rsID available, gnomAD 0.002%). This variant has not been reported in the literature in individuals affected with SON-related conditions. Experimental studies and prediction algorithms are not available or were not evaluated, and the functional significance of this variant is currently unknown. In summary, the available evidence is currently insufficient to determine the role of this variant in disease. Therefore, it has been classified as a Variant of Uncertain Significance.